The following is an entry in ClinVar:

ClinVar aggregate classification (germline): Uncertain significance. Review status: criteria provided, multiple submitters, no conflicts (2 of 4 stars). 2 submissions from 2 submitters: Uncertain significance (2). Last evaluated 2025-10-20.

Conditions:
X-linked agammaglobulinemia with growth hormone deficiency (IGHD3). Also called: AGAMMAGLOBULINEMIA AND ISOLATED GROWTH HORMONE DEFICIENCY, X-LINKED; HYPOGAMMAGLOBULINEMIA AND ISOLATED GROWTH HORMONE DEFICIENCY, X-LINKED; IGHD III; Isolated growth hormone deficiency type 3; Growth hormone deficiency with hypogammaglobulinemia; ISOLATED GROWTH HORMONE DEFICIENCY, TYPE III, WITH AGAMMAGLOBULINEMIA. Identifiers: Orphanet 231692, Orphanet 631, MedGen C0472813, MONDO:0010615, OMIM 307200.

gnomAD v4.1: 2 of 1,211,290 alleles (0.00017%); highest among the groups gnomAD compares: Non-Finnish European, 0.00022%; no homozygotes.

Submissions (2):

Labcorp Genetics (formerly Invitae), Labcorp
Classification: Uncertain significance for X-linked agammaglobulinemia with growth hormone deficiency. Last evaluated: 2025-10-20. Review status: criteria provided, single submitter. Criteria: Invitae Variant Classification Sherloc (09022015). Collection method: clinical testing. Allele origin: germline.
Comment: This sequence change replaces arginine, which is basic and polar, with proline, which is neutral and non-polar, at codon 492 of the BTK protein (p.Arg492Pro). This variant is not present in population databases (gnomAD no frequency). This variant has not been reported in the literature in individuals affected with BTK-related conditions. ClinVar contains an entry for this variant (Variation ID: 1482408). Invitae Evidence Modeling of protein sequence and biophysical properties (such as structural, functional, and spatial information, amino acid conservation, physicochemical variation, residue mobility, and thermodynamic stability) has been performed for this missense variant. However, the output from this modeling did not meet the statistical confidence thresholds required to predict the impact of this variant on BTK protein function. In summary, the available evidence is currently insufficient to determine the role of this variant in disease. Therefore, it has been classified as a Variant of Uncertain Significance.

Blueprint Genetics
Classification: Uncertain significance. Last evaluated: 2021-04-12. Review status: criteria provided, single submitter. Criteria: ACMG Guidelines, 2015. Collection method: clinical testing. Allele origin: germline.

NM_000061.3(BTK):c.1475G>C (p.Arg492Pro)

Gene: BTK (Bruton tyrosine kinase; minus strand). Cytogenetic location: Xq22.1.
Variant type: single nucleotide variant.
Coding change: c.1475G>C on transcript NM_000061.3 (MANE Select); coding-DNA position 1475, G replaced by C.
Protein change: p.Arg492Pro; replaces arginine 492 with proline.
Molecular consequence: missense variant. On other transcripts: intron variant (1).
Genome position (GRCh38, 1-based): chrX:101,356,143, C>G on the plus strand (G>C on the coding strand, the complement: BTK is on the minus strand). VCF-style: chrX-101356143-C-G. GRCh37 (hg19) VCF-style: chrX-100611131-C-G.
Other names: c.1577G>C, p.Arg526Pro (NM_001287344.2); c.1039-1449G>C (NM_001287345.2); short protein forms R492P, R526P.
Identifiers: ClinVar variation 1482408 (VCV001482408.7), dbSNP rs782338603, ClinGen allele CA413923923.